The following is an entry in ClinVar:

ClinVar aggregate classification (germline): Conflicting classifications of pathogenicity. Review status: criteria provided, conflicting classifications (1 of 4 stars). 3 submissions from 3 submitters: Uncertain significance (1); Likely benign (2). Last evaluated 2026-02-01.

Conditions:
DNAH9-related disorder. Also called: DNAH9-related condition.
Inborn genetic diseases. Identifiers: MedGen C0950123, MeSH D030342.

Allele frequency attached by ClinVar (database versions not stated): gnomAD exomes 0.00010 and 0.00017; ExAC 0.00019; ESP Exome Variant Server 0.00046; gnomAD 0.00056 and 0.00059; TOPMed 0.00068; 1000 Genomes Project 30x 0.00078; 1000 Genomes Project 0.00100.
gnomAD v4.1: 229 of 1,613,918 alleles (0.014%); highest among the groups gnomAD compares: African/African-American, 0.19%; 2 homozygotes.

Submissions (3):

Labcorp Genetics (formerly Invitae), Labcorp
Classification: Likely benign. Last evaluated: 2026-02-01. Review status: criteria provided, single submitter. Criteria: Invitae Variant Classification Sherloc (09022015). Collection method: clinical testing. Allele origin: germline.

PreventionGenetics, part of Exact Sciences
Classification: Likely benign for DNAH9-related condition. Last evaluated: 2025-03-25. Review status: criteria provided, single submitter. Criteria: ACMG Guidelines, 2015. Collection method: clinical testing. Allele origin: germline.
Comment: This variant is classified as likely benign based on ACMG/AMP sequence variant interpretation guidelines (Richards et al. 2015 PMID: 25741868, with internal and published modifications).

Ambry Genetics
Classification: Uncertain significance for Inborn genetic diseases. Last evaluated: 2025-03-04. Review status: criteria provided, single submitter. Criteria: Ambry Variant Classification Scheme 2023. Collection method: clinical testing. Allele origin: germline.

NM_001372.4(DNAH9):c.2534G>A (p.Arg845Gln)

Gene: DNAH9 (dynein axonemal heavy chain 9; plus strand). Cytogenetic location: 17p12.
Variant type: single nucleotide variant.
Coding change: c.2534G>A on transcript NM_001372.4 (MANE Select); coding-DNA position 2534, G replaced by A.
Protein change: p.Arg845Gln; replaces arginine 845 with glutamine.
Molecular consequence: missense variant.
Genome position (GRCh38, 1-based): chr17:11,652,941, G>A. VCF-style: chr17-11652941-G-A. GRCh37 (hg19) VCF-style: chr17-11556258-G-A.
Other names: short protein forms R845Q.
Identifiers: ClinVar variation 727689 (VCV000727689.10), dbSNP rs61747284, ClinGen allele CA8395195.
Genomic context (GRCh38, chr17:11,652,941, plus strand): 5'-TATTTAAGACAAAAGATGGAAAAAGGGAATCCCTTCTTTCTCTGGATGATCGGCATGATC[G>A]AATGGAAAAATATTACAATCTCATCAAGGAATCTGGCCTTAAGATCCACGCCCTTGTTCA-3'
Protein context (NP_001363.2, residues 835-855): SLLSLDDRHD[Arg845Gln]MEKYYNLIKE